The following is an entry in ClinVar:

NM_000083.3(CLCN1):c.1435A>T (p.Ile479Leu)

Gene: CLCN1 (chloride voltage-gated channel 1; plus strand). Cytogenetic location: 7q34.
Variant type: single nucleotide variant.
Coding change: c.1435A>T on transcript NM_000083.3 (MANE Select); coding-DNA position 1435, A replaced by T.
Protein change: p.Ile479Leu; replaces isoleucine 479 with leucine.
Molecular consequence: missense variant. On other transcripts: non-coding transcript variant (1).
Genome position (GRCh38, 1-based): chr7:143,339,286, A>T. VCF-style: chr7-143339286-A-T. GRCh37 (hg19) VCF-style: chr7-143036379-A-T.
Other names: short protein forms I479L.
Identifiers: ClinVar variation 2952639 (VCV002952639.3), dbSNP rs2487082631, ClinGen allele CA369645340.
Genomic context (GRCh38, chr7:143,339,286, plus strand): 5'-GTATTCCAACGCTTCTTTCTACTCCAGTTCTGGATGTCCATCGTGGCCACCACTATGCCC[A>T]TACCCTGCGGAGGCTTCATGCCTGTGTTTGTGCTAGGTAAGTTCTGATGGGAAGCCTGGG-3'
Protein context (NP_000074.3, residues 469-489): WMSIVATTMP[Ile479Leu]PCGGFMPVFV

ClinVar aggregate classification (germline): Uncertain significance (1 of 4 stars; one submission).

Conditions:
Congenital myotonia, autosomal dominant form (THD). Also called: THOMSEN DISEASE; Myotonia congenita autosomal dominant. Identifiers: Orphanet 614, MedGen C2936781, MONDO:0008055, OMIM 160800.
Congenital myotonia, autosomal recessive form. Also called: BECKER DISEASE; Becker Generalized Myotonia; myotonia congenita, autosomal recessive. Identifiers: Orphanet 614, MedGen C0751360, MONDO:0009715, OMIM 255700.

Submission:

Labcorp Genetics (formerly Invitae), Labcorp
Classification: Uncertain significance for Congenital myotonia, autosomal recessive form; Congenital myotonia, autosomal dominant form. Last evaluated: 2023-10-06. Review status: criteria provided, single submitter. Criteria: Invitae Variant Classification Sherloc (09022015). Collection method: clinical testing. Allele origin: germline.
Comment: This sequence change replaces isoleucine, which is neutral and non-polar, with leucine, which is neutral and non-polar, at codon 479 of the CLCN1 protein (p.Ile479Leu). This variant is not present in population databases (gnomAD no frequency). This variant has not been reported in the literature in individuals affected with CLCN1-related conditions. Advanced modeling of protein sequence and biophysical properties (such as structural, functional, and spatial information, amino acid conservation, physicochemical variation, residue mobility, and thermodynamic stability) has been performed at Invitae for this missense variant, however the output from this modeling did not meet the statistical confidence thresholds required to predict the impact of this variant on CLCN1 protein function. In summary, the available evidence is currently insufficient to determine the role of this variant in disease. Therefore, it has been classified as a Variant of Uncertain Significance.